The following is an entry in ClinVar:

NM_000179.3(MSH6):c.884A>C (p.Lys295Thr)

Gene: MSH6 (mutS homolog 6; plus strand). Cytogenetic location: 2p16.3.
Variant type: single nucleotide variant.
Coding change: c.884A>C on transcript NM_000179.3 (MANE Select); coding-DNA position 884, A replaced by C.
Protein change: p.Lys295Thr; replaces lysine 295 with threonine.
Molecular consequence: missense variant. On other transcripts: 5 prime UTR variant (2).
Genome position (GRCh38, 1-based): chr2:47,798,867, A>C. VCF-style: chr2-47798867-A-C. GRCh37 (hg19) VCF-style: chr2-48026006-A-C.
Other names: c.494A>C, p.Lys165Thr (NM_001281492.2); c.-23A>C (NM_001281493.2, NM_001281494.2); short protein forms K295T, K165T.
Identifiers: ClinVar variation 490027 (VCV000490027.6), dbSNP rs267608051, ClinGen allele CA346740673.

ClinVar aggregate classification (germline): Uncertain significance. Review status: criteria provided, multiple submitters, no conflicts (2 of 4 stars). 2 submissions from 2 submitters: Uncertain significance (2). Last evaluated 2023-10-26.

Conditions:
Hereditary cancer-predisposing syndrome. Also called: Hereditary Cancer Syndrome; Neoplastic Syndromes, Hereditary; Tumor predisposition; Hereditary neoplastic syndrome. Identifiers: Orphanet 140162, MedGen C0027672, MeSH D009386, MONDO:0015356.
Hereditary nonpolyposis colorectal neoplasms. Identifiers: MedGen C0009405, MeSH D003123.

Submissions (2):

Labcorp Genetics (formerly Invitae), Labcorp
Classification: Uncertain significance for Hereditary nonpolyposis colorectal neoplasms. Last evaluated: 2023-10-26. Review status: criteria provided, single submitter. Criteria: Invitae Variant Classification Sherloc (09022015). Collection method: clinical testing. Allele origin: germline.
Comment: This sequence change replaces lysine, which is basic and polar, with threonine, which is neutral and polar, at codon 295 of the MSH6 protein (p.Lys295Thr). This variant is not present in population databases (gnomAD no frequency). This variant has not been reported in the literature in individuals affected with MSH6-related conditions. ClinVar contains an entry for this variant (Variation ID: 490027). Advanced modeling of protein sequence and biophysical properties (such as structural, functional, and spatial information, amino acid conservation, physicochemical variation, residue mobility, and thermodynamic stability) performed at Invitae indicates that this missense variant is not expected to disrupt MSH6 protein function with a negative predictive value of 95%. In summary, the available evidence is currently insufficient to determine the role of this variant in disease. Therefore, it has been classified as a Variant of Uncertain Significance.

Color Diagnostics, LLC DBA Color Health
Classification: Uncertain significance for Hereditary cancer-predisposing syndrome. Last evaluated: 2018-08-21. Review status: criteria provided, single submitter. Criteria: ACMG Guidelines, 2015. Collection method: clinical testing. Allele origin: germline.